The following is an entry in ClinVar:

ClinVar aggregate classification (germline): Uncertain significance (1 of 4 stars; one submission).

Conditions:
Inborn genetic diseases. Identifiers: MedGen C0950123, MeSH D030342.

Allele frequency attached by ClinVar (database versions not stated): gnomAD exomes below 0.00001; gnomAD 0.00002; TOPMed 0.00002.
gnomAD v4.1: 5 of 1,614,044 alleles (0.00031%); highest among the groups gnomAD compares: African/African-American, 0.0053%; no homozygotes.

Submission:

Ambry Genetics
Classification: Uncertain significance for Inborn genetic diseases. Last evaluated: 2021-05-04. Review status: criteria provided, single submitter. Criteria: Ambry Variant Classification Scheme 2023. Collection method: clinical testing. Allele origin: germline.
Comment: The c.187-3C>T intronic alteration consists of a C to T substitution 3 nucleotides before coding exon 3 in the NDUFS6 gene. Based on insufficient or conflicting evidence, the clinical significance of this alteration remains unclear.

NM_004553.6(NDUFS6):c.187-3C>T

Gene: NDUFS6 (NADH:ubiquinone oxidoreductase subunit S6; plus strand). Cytogenetic location: 5p15.33.
Variant type: single nucleotide variant.
Coding change: c.187-3C>T on transcript NM_004553.6 (MANE Select); 3 bases into the intron before coding-DNA position 187, C replaced by T.
Molecular consequence: intron variant.
Genome position (GRCh38, 1-based): chr5:1,814,336, C>T. VCF-style: chr5-1814336-C-T. GRCh37 (hg19) VCF-style: chr5-1814450-C-T.
Identifiers: ClinVar variation 2230566 (VCV002230566.2), dbSNP rs1270501767, ClinGen allele CA557592948.